The following is an entry in ClinVar:

ClinVar aggregate classification (germline): Uncertain significance (1 of 4 stars; one submission).

Conditions:
Inborn genetic diseases. Identifiers: MedGen C0950123, MeSH D030342.

gnomAD v4.1: 1 of 1,613,614 alleles (0.000062%); highest among the groups gnomAD compares: Middle Eastern, 0.017%; no homozygotes.

Submission:

Ambry Genetics
Classification: Uncertain significance for Inborn genetic diseases. Last evaluated: 2026-05-14. Review status: criteria provided, single submitter. Criteria: Ambry Variant Classification Scheme 2023. Collection method: clinical testing. Allele origin: germline.
Comment: The p.G234E variant (also known as c.701G>A), located in coding exon 6 of the DNMT3A gene, results from a G to A substitution at nucleotide position 701. The glycine at codon 234 is replaced by glutamic acid, an amino acid with similar properties. This amino acid position is conserved. In addition, this alteration is predicted to be tolerated by in silico analysis. Based on the available evidence, the clinical significance of this variant remains unclear.

NM_022552.5(DNMT3A):c.701G>A (p.Gly234Glu)

Gene: DNMT3A (DNA methyltransferase 3 alpha; minus strand). Cytogenetic location: 2p23.3.
Variant type: single nucleotide variant.
Coding change: c.701G>A on transcript NM_022552.5 (MANE Select); coding-DNA position 701, G replaced by A.
Protein change: p.Gly234Glu; replaces glycine 234 with glutamic acid.
Molecular consequence: missense variant. On other transcripts: non-coding transcript variant (1).
Genome position (GRCh38, 1-based): chr2:25,248,191, C>T on the plus strand (G>A on the coding strand, the complement: DNMT3A is on the minus strand). VCF-style: chr2-25248191-C-T. GRCh37 (hg19) VCF-style: chr2-25471060-C-T.
Other names: c.245G>A, p.Gly82Glu (NM_001320893.1); c.32G>A, p.Gly11Glu (NM_001375819.1); c.134G>A, p.Gly45Glu (NM_153759.3); c.701G>A, p.Gly234Glu (NM_175629.2); short protein forms G11E, G234E, G45E, G82E.
Identifiers: ClinVar variation 4870032 (VCV004870032.1).